The following is an entry in ClinVar:

NM_002528.7(NTHL1):c.703C>T (p.His235Tyr)

Gene: NTHL1 (nth like DNA glycosylase 1; minus strand). Cytogenetic location: 16p13.3.
Variant type: single nucleotide variant.
Coding change: c.703C>T on transcript NM_002528.7 (MANE Select); coding-DNA position 703, C replaced by T.
Protein change: p.His235Tyr; replaces histidine 235 with tyrosine.
Molecular consequence: missense variant.
Genome position (GRCh38, 1-based): chr16:2,040,221, G>A on the plus strand (C>T on the coding strand, the complement: NTHL1 is on the minus strand). VCF-style: chr16-2040221-G-A. GRCh37 (hg19) VCF-style: chr16-2090222-G-A.
Other names: c.703C>T, p.His235Tyr (LRG_1366t1); c.532C>T, p.His178Tyr (NM_001318193.2); c.373C>T, p.His125Tyr (NM_001318194.2); short protein forms H178Y, H235Y, H125Y.
Identifiers: ClinVar variation 641079 (VCV000641079.13), dbSNP rs1169959065, ClinGen allele CA394289285.
Genomic context (GRCh38, chr16:2,040,221, plus strand): 5'-GGGTCTCCTCTGGGGACTTGGTTGCCTTCTTGGTCCACCTCAGCCTGTTGGCGATTCTGT[G>A]CACATGCGTGTCCACTGCTGCTGGGAGGCCAAGCGGGGTGAACAGGGGCACACTCCACCA-3'
Protein context (NP_002519.2, residues 225-245): VSGIAVDTHV[His235Tyr]RIANRLRWTK

ClinVar aggregate classification (germline): Uncertain significance. Review status: criteria provided, multiple submitters, no conflicts (2 of 4 stars). 4 submissions from 4 submitters: Uncertain significance (4). Last evaluated 2025-12-19.

Conditions:
Familial adenomatous polyposis 3. Also called: NTHL1-associated polyposis; NTHL1-related attenuated familial adenomatous polyposis; NTHL1-Related Adenomatous Polyposis and Colorectal Cancer; NTHL1 Tumor Syndrome. Identifiers: Orphanet 220460, Orphanet 454840, MedGen C4225157, MONDO:0014630, OMIM 616415.
Hereditary cancer-predisposing syndrome. Also called: Neoplastic Syndromes, Hereditary; Hereditary Cancer Syndrome; Tumor predisposition; Hereditary neoplastic syndrome. Identifiers: Orphanet 140162, MedGen C0027672, MeSH D009386, MONDO:0015356.

Allele frequency attached by ClinVar (database versions not stated): gnomAD exomes below 0.00001 and 0.00001; gnomAD 0.00001.

Submissions (4):

Labcorp Genetics (formerly Invitae), Labcorp
Classification: Uncertain significance. Last evaluated: 2025-12-19. Review status: criteria provided, single submitter. Criteria: Invitae Variant Classification Sherloc (09022015). Collection method: clinical testing. Allele origin: germline.
Comment: This sequence change replaces histidine, which is basic and polar, with tyrosine, which is neutral and polar, at codon 243 of the NTHL1 protein (p.His243Tyr). This variant is present in population databases (no rsID available, gnomAD 0.003%). This variant has not been reported in the literature in individuals affected with NTHL1-related conditions. ClinVar contains an entry for this variant (Variation ID: 641079). An algorithm developed to predict the effect of missense changes on protein structure and function (PolyPhen-2) suggests that this variant is likely to be disruptive. In summary, the available evidence is currently insufficient to determine the role of this variant in disease. Therefore, it has been classified as a Variant of Uncertain Significance.

Fulgent Genetics
Classification: Uncertain significance for Familial adenomatous polyposis 3. Last evaluated: 2024-04-22. Review status: criteria provided, single submitter. Criteria: ACMG Guidelines, 2015. Collection method: clinical testing. Allele origin: germline.

Ambry Genetics
Classification: Uncertain significance for Hereditary cancer-predisposing syndrome. Last evaluated: 2024-01-11. Review status: criteria provided, single submitter. Criteria: Ambry Variant Classification Scheme 2023. Collection method: clinical testing. Allele origin: germline.
Comment: The p.H243Y variant (also known as c.727C>T), located in coding exon 5 of the NTHL1 gene, results from a C to T substitution at nucleotide position 727. The histidine at codon 243 is replaced by tyrosine, an amino acid with similar properties. This amino acid position is conserved. In addition, this alteration is predicted to be deleterious by in silico analysis. Since supporting evidence is limited at this time, the clinical significance of this alteration remains unclear.

Baylor Genetics
Classification: Uncertain significance for Familial adenomatous polyposis 3. Last evaluated: 2023-10-08. Review status: criteria provided, single submitter. Criteria: ACMG Guidelines, 2015. Collection method: clinical testing. Allele origin: unknown.